The following is an entry in ClinVar:

ClinVar aggregate classification (germline): Uncertain significance (1 of 4 stars; one submission).

Conditions:
Autoimmune lymphoproliferative syndrome type 2A (ALPS2A). Also called: Autoimmune lymphoproliferative syndrome type 2; CASP10-Related Autoimmune Lymphoproliferative Syndrome; AUTOIMMUNE LYMPHOPROLIFERATIVE SYNDROME, TYPE IIA. Identifiers: Orphanet 3261, MedGen C1858968, MONDO:0011383, OMIM 603909.

gnomAD v4.1: 2 of 1,613,842 alleles (0.00012%); highest among the groups gnomAD compares: Non-Finnish European, 0.00017%; no homozygotes.

Submission:

Labcorp Genetics (formerly Invitae), Labcorp
Classification: Uncertain significance for Autoimmune lymphoproliferative syndrome type 2A. Last evaluated: 2025-08-24. Review status: criteria provided, single submitter. Criteria: Invitae Variant Classification Sherloc (09022015). Collection method: clinical testing. Allele origin: germline.
Comment: This sequence change replaces arginine, which is basic and polar, with isoleucine, which is neutral and non-polar, at codon 183 of the CASP10 protein (p.Arg183Ile). This variant is not present in population databases (gnomAD no frequency). This variant has not been reported in the literature in individuals affected with CASP10-related conditions. ClinVar contains an entry for this variant (Variation ID: 1021078). Invitae Evidence Modeling of protein sequence and biophysical properties (such as structural, functional, and spatial information, amino acid conservation, physicochemical variation, residue mobility, and thermodynamic stability) indicates that this missense variant is not expected to disrupt CASP10 protein function with a negative predictive value of 80%. In summary, the available evidence is currently insufficient to determine the role of this variant in disease. Therefore, it has been classified as a Variant of Uncertain Significance.

NM_032977.4(CASP10):c.548G>T (p.Arg183Ile)

Gene: CASP10 (caspase 10; plus strand). Cytogenetic location: 2q33.1.
Variant type: single nucleotide variant.
Coding change: c.548G>T on transcript NM_032977.4 (MANE Select); coding-DNA position 548, G replaced by T.
Protein change: p.Arg183Ile; replaces arginine 183 with isoleucine.
Molecular consequence: missense variant.
Genome position (GRCh38, 1-based): chr2:201,193,090, G>T. VCF-style: chr2-201193090-G-T. GRCh37 (hg19) VCF-style: chr2-202057813-G-T.
Other names: c.548G>T, p.Arg183Ile (NM_001206524.2, NM_001206542.2, NM_001230.5 and 3 more transcripts); short protein forms R183I.
Identifiers: ClinVar variation 1021078 (VCV001021078.11), dbSNP rs753989167, ClinGen allele CA350279056.